The following is an entry in ClinVar:

NM_000122.2(ERCC3):c.1757_1758del (p.Gln586fs)

Gene: ERCC3 (ERCC excision repair 3, TFIIH core complex helicase subunit; minus strand). Cytogenetic location: 2q14.3.
Variant type: Deletion.
Coding change: c.1757_1758del on transcript NM_000122.2 (MANE Select); coding-DNA positions 1757 to 1758, 2 bases deleted (AG; older notation c.1757_1758delAG).
Protein change: p.Gln586fs; shifts the reading frame from glutamine 586.
Molecular consequence: frameshift variant.
Genome position (GRCh38, 1-based): chr2:127,272,934-127,272,935, CT deleted on the plus strand (AG on the coding strand, the reverse complement: ERCC3 is on the minus strand). VCF-style (leftmost placement, unchanged base first): chr2-127272933-CCT-C. GRCh37 (hg19) VCF-style: chr2-128030509-CCT-C.
Other names: c.1565_1566del, p.Gln522fs (NM_001303416.2, NM_001303418.2); short protein forms Q522fs, Q586fs.
Identifiers: ClinVar variation 632330 (VCV000632330.15), dbSNP rs774261851, ClinGen allele CA1858180.

ClinVar aggregate classification (germline): Pathogenic/Likely pathogenic. Review status: criteria provided, multiple submitters, no conflicts (2 of 4 stars). 5 submissions from 5 submitters: Pathogenic (2); Likely pathogenic (3). Last evaluated 2026-06-05.

Conditions:
ERCC3-related disorder. Also called: ERCC3-related condition.
Xeroderma pigmentosum group B. Also called: XP, GROUP B; XPB/CS; XERODERMA PIGMENTOSUM B/COCKAYNE SYNDROME; ERCC3-Related Xeroderma Pigmentosum. Identifiers: MedGen C0268136, MONDO:0012531, OMIM 610651.
Trichothiodystrophy 2, photosensitive (TTD2). Identifiers: Orphanet 33364, MedGen C4225344, MONDO:0014615, OMIM 616390.

Allele frequency attached by ClinVar (database versions not stated): ExAC 0.00002; gnomAD 0.00002 and 0.00003; gnomAD exomes 0.00002 and 0.00003; TOPMed 0.00005.

Submissions (5):

PreventionGenetics, part of Exact Sciences
Classification: Pathogenic for ERCC3-related condition. Last evaluated: 2026-06-05. Review status: criteria provided, single submitter. Criteria: ACMG Guidelines, 2015. Collection method: clinical testing. Allele origin: germline.
Comment: The ERCC3 c.1757_1758delAG variant is predicted to result in a frameshift and premature protein termination (p.Gln586Argfs*17). This variant has been reported in the heterozygous state in patients with various cancers including thyroid, colorectal, breast, prostate, and endometrial (Guan et al. 2015. PubMed ID: 25151137; Rosenthal et al. 2018. PubMed ID: 30267214; Supplementary Table 3, Palmer et al. 2020. PubMed ID: 32427313; Supplementary Table S4, Liang et al. 2022. PubMed ID: 36095024; Supplementary Table 1, Gordhandas et al. 2023. PubMed ID: 36744932; Stradella et al. 2020. PubMed ID: 33125943). However, the gene-disease association for increased cancer risk has not been conclusively established to date. This variant is classified as pathogenic/likely pathogenic in ClinVar (Variation ID: 632330). At this time, this variant is interpreted as pathogenic for autosomal recessive disease, but remains uncertain for autosomal dominant hereditary cancer predisposition due to the absence of conclusive functional and genetic evidence.

Dasa
Classification: Likely pathogenic. Last evaluated: 2026-03-18. Review status: criteria provided, single submitter. Criteria: DASA Assertion Criteria. Collection method: clinical testing. Allele origin: germline.
Comment: NM_000122.2(ERCC3):c.1757_1758del (p.Gln586ArgfsTer17) introduces a premature termination codon predicted to result in loss of normal protein function. Loss-of-function is an established mechanism of disease for this gene. The variant is present at low frequency in population datasets. Based on the available data, this variant is classified as likely pathogenic.

Labcorp Genetics (formerly Invitae), Labcorp
Classification: Pathogenic. Last evaluated: 2025-12-24. Review status: criteria provided, single submitter. Criteria: Invitae Variant Classification Sherloc (09022015). Collection method: clinical testing. Allele origin: germline.
Comment: This sequence change creates a premature translational stop signal (p.Gln586Argfs*17) in the ERCC3 gene. It is expected to result in an absent or disrupted protein product. Loss-of-function variants in ERCC3 are known to be pathogenic (PMID: 16947863). This variant is present in population databases (rs774261851, gnomAD 0.02%). This variant has not been reported in the literature in individuals affected with ERCC3-related conditions. ClinVar contains an entry for this variant (Variation ID: 632330). For these reasons, this variant has been classified as Pathogenic.

Fulgent Genetics
Classification: Likely pathogenic for Xeroderma pigmentosum group B; Trichothiodystrophy 2, photosensitive. Last evaluated: 2024-05-06. Review status: criteria provided, single submitter. Criteria: ACMG Guidelines, 2015. Collection method: clinical testing. Allele origin: germline.

Juno Genomics, Hangzhou Juno Genomics, Inc
Classification: Likely pathogenic for Trichothiodystrophy 2, photosensitive; Xeroderma pigmentosum group B. Review status: criteria provided, single submitter. Criteria: ACMG Guidelines, 2015. Collection method: clinical testing. Allele origin: germline.
Comment: Absent from controls (or at extremely low frequency if recessive) in Genome Aggregation Database.;Null variant in a gene where loss of function (LOF) is a known mechanism of disease.

Literature cited by the submitters: PubMed 16947863 (cited by Labcorp Genetics (formerly Invitae), Labcorp).